The following is an entry in ClinVar:

NM_005068.3(SIM1):c.2292C>T (p.Asn764=)

Gene: SIM1 (SIM bHLH transcription factor 1; minus strand). Cytogenetic location: 6q16.3.
Variant type: single nucleotide variant.
Coding change: c.2292C>T on transcript NM_005068.3 (MANE Select); coding-DNA position 2292, C replaced by T.
Protein change: p.Asn764=; no amino-acid change (asparagine 764 retained).
Molecular consequence: synonymous variant.
Genome position (GRCh38, 1-based): chr6:100,390,370, G>A on the plus strand (C>T on the coding strand, the complement: SIM1 is on the minus strand). VCF-style: chr6-100390370-G-A. GRCh37 (hg19) VCF-style: chr6-100838246-G-A.
Other names: c.2292C>T, p.Asn764= (NM_001374769.1).
Identifiers: ClinVar variation 735341 (VCV000735341.15), dbSNP rs143803280, ClinGen allele CA3936833.

ClinVar aggregate classification (germline): Benign/Likely benign. Review status: criteria provided, multiple submitters, no conflicts (2 of 4 stars). 3 submissions from 3 submitters: Benign (1); Likely benign (1). 1 of the submissions does not count toward it. Last evaluated 2026-01-15.

Conditions:
Obesity due to SIM1 deficiency. Identifiers: Orphanet 369873, MedGen C5191050, MONDO:0018244.
SIM1-related disorder. Also called: SIM1-related condition; SIM1-related disorders.

Allele frequency attached by ClinVar (database versions not stated): ESP Exome Variant Server 0.00138; 1000 Genomes Project 30x 0.00156; gnomAD 0.00159 and 0.00162; 1000 Genomes Project 0.00160; TOPMed 0.00180.
gnomAD v4.1: 637 of 1,611,192 alleles (0.04%); highest among the groups gnomAD compares: African/African-American, 0.43%; no homozygotes.

Submissions (3):

Labcorp Genetics (formerly Invitae), Labcorp
Classification: Benign. Last evaluated: 2026-01-15. Review status: criteria provided, single submitter. Criteria: Invitae Variant Classification Sherloc (09022015). Collection method: clinical testing. Allele origin: germline.

Illumina Laboratory Services, Illumina
Classification: Likely benign for Obesity due to SIM1 deficiency. Last evaluated: 2018-01-13. Review status: criteria provided, single submitter. Criteria: ICSL Variant Classification Criteria 13 December 2019. Collection method: clinical testing. Allele origin: germline.
Comment: This variant was observed in the ICSL laboratory as part of a predisposition screen in an ostensibly healthy population. It had not been previously curated by ICSL or reported in the Human Gene Mutation Database (HGMD: prior to June 1st, 2018), and was therefore a candidate for classification through an automated scoring system. Utilizing variant allele frequency, disease prevalence and penetrance estimates, and inheritance mode, an automated score was calculated to assess if this variant is too frequent to cause the disease. Based on the score and internal cut-off values, a variant classified as likely benign is not then subjected to further curation. The score for this variant resulted in a classification of likely benign for this disease.

PreventionGenetics, part of Exact Sciences
Classification: Likely benign for SIM1-related condition. Last evaluated: 2019-09-06. Review status: no assertion criteria provided. Collection method: clinical testing. Allele origin: germline. Not counted in ClinVar's aggregate classification.
Comment: This variant is classified as likely benign based on ACMG/AMP sequence variant interpretation guidelines (Richards et al. 2015 PMID: 25741868, with internal and published modifications).